The following is an entry in ClinVar:

NM_001382430.1(AKT1):c.278C>A (p.Pro93His)

Gene: AKT1 (AKT serine/threonine kinase 1; minus strand). Cytogenetic location: 14q32.33.
Variant type: single nucleotide variant.
Coding change: c.278C>A on transcript NM_001382430.1 (MANE Select); coding-DNA position 278, C replaced by A.
Protein change: p.Pro93His; replaces proline 93 with histidine.
Molecular consequence: missense variant.
Genome position (GRCh38, 1-based): chr14:104,776,668, G>T on the plus strand (C>A on the coding strand, the complement: AKT1 is on the minus strand). VCF-style: chr14-104776668-G-T. GRCh37 (hg19) VCF-style: chr14-105243005-G-T.
Other names: c.278C>A, p.Pro93His (NM_001014431.2, NM_001014432.2, NM_001382431.1 and 3 more transcripts); short protein forms P93H.
Identifiers: ClinVar variation 953510 (VCV000953510.8), dbSNP rs1296782302, ClinGen allele CA391220625.
Genomic context (GRCh38, chr14:104,776,668, plus strand): 5'-TAAGCGCTGGGGCTGCCCAAGTGCCTGGCCTGGCCGCCACAGCCCACGTACCGCTCCTCA[G>T]GAGTCTCCACATGGAAGGTGCGTTCGATGACAGTGGTCCACTGCAGGCAGCGGATGATGA-3'
Protein context (NP_001369359.1, residues 83-103): VIERTFHVET[Pro93His]EEREEWTTAI

ClinVar aggregate classification (germline): Uncertain significance. Review status: criteria provided, multiple submitters, no conflicts (2 of 4 stars). 2 submissions from 2 submitters: Uncertain significance (2). Last evaluated 2024-02-27.

Conditions:
Inborn genetic diseases. Identifiers: MedGen C0950123, MeSH D030342.
Cowden syndrome 6 (CWS6). Identifiers: Orphanet 201, MedGen C3554519, MONDO:0014048, OMIM 615109.

Allele frequency attached by ClinVar (database versions not stated): gnomAD exomes 0.00002.
gnomAD v4.1: 31 of 1,613,094 alleles (0.0019%); highest among the groups gnomAD compares: African/African-American, 0.0027%; no homozygotes.

Submissions (2):

Labcorp Genetics (formerly Invitae), Labcorp
Classification: Uncertain significance for Cowden syndrome 6. Last evaluated: 2024-02-27. Review status: criteria provided, single submitter. Criteria: Invitae Variant Classification Sherloc (09022015). Collection method: clinical testing. Allele origin: germline.
Comment: This sequence change replaces proline, which is neutral and non-polar, with histidine, which is basic and polar, at codon 93 of the AKT1 protein (p.Pro93His). The frequency data for this variant in the population databases is considered unreliable, as metrics indicate poor data quality at this position in the gnomAD database. This variant has not been reported in the literature in individuals affected with AKT1-related conditions. ClinVar contains an entry for this variant (Variation ID: 953510). An algorithm developed to predict the effect of missense changes on protein structure and function (PolyPhen-2) suggests that this variant is likely to be tolerated. In summary, the available evidence is currently insufficient to determine the role of this variant in disease. Therefore, it has been classified as a Variant of Uncertain Significance.

Ambry Genetics
Classification: Uncertain significance for Inborn genetic diseases. Last evaluated: 2023-10-30. Review status: criteria provided, single submitter. Criteria: Ambry Variant Classification Scheme 2023. Collection method: clinical testing. Allele origin: germline.